The following is an entry in ClinVar:

NM_173551.5(ANKS6):c.539_540del (p.Leu180fs)

Gene: ANKS6 (ankyrin repeat and sterile alpha motif domain containing 6; minus strand). Cytogenetic location: 9q22.33.
Variant type: Deletion.
Coding change: c.539_540del on transcript NM_173551.5 (MANE Select); coding-DNA positions 539 to 540, 2 bases deleted (TG; older notation c.539_540delTG).
Protein change: p.Leu180fs; shifts the reading frame from leucine 180.
Molecular consequence: frameshift variant.
Genome position (GRCh38, 1-based): chr9:98,790,426-98,790,427, CA deleted on the plus strand (TG on the coding strand, the reverse complement: ANKS6 is on the minus strand). VCF-style (leftmost placement, unchanged base first): chr9-98790425-CCA-C. GRCh37 (hg19) VCF-style: chr9-101552707-CCA-C.
Other names: short protein forms L180fs.
Identifiers: ClinVar variation 661012 (VCV000661012.6), dbSNP rs1588420907, ClinGen allele CA915947109.

ClinVar aggregate classification (germline): Pathogenic (1 of 4 stars; one submission).

Conditions:
Nephronophthisis 16 (NPHP16). Identifiers: Orphanet 655, MedGen C3809320, MONDO:0014158, OMIM 615382.

Submission:

Labcorp Genetics (formerly Invitae), Labcorp
Classification: Pathogenic for Nephronophthisis 16. Last evaluated: 2022-08-10. Review status: criteria provided, single submitter. Criteria: Invitae Variant Classification Sherloc (09022015). Collection method: clinical testing. Allele origin: germline.
Comment: For these reasons, this variant has been classified as Pathogenic. ClinVar contains an entry for this variant (Variation ID: 661012). This variant has not been reported in the literature in individuals affected with ANKS6-related conditions. This variant is not present in population databases (gnomAD no frequency). This sequence change creates a premature translational stop signal (p.Leu180Argfs*8) in the ANKS6 gene. It is expected to result in an absent or disrupted protein product. Loss-of-function variants in ANKS6 are known to be pathogenic (PMID: 23793029, 25599650).

Literature cited by the submitters: PubMed 23793029; PubMed 25599650.